The following is an entry in ClinVar:

NM_003737.4(DCHS1):c.6158T>C (p.Val2053Ala)

Gene: DCHS1 (dachsous cadherin-related 1; minus strand). Cytogenetic location: 11p15.4.
Variant type: single nucleotide variant.
Coding change: c.6158T>C on transcript NM_003737.4 (MANE Select); coding-DNA position 6158, T replaced by C.
Protein change: p.Val2053Ala; replaces valine 2053 with alanine.
Molecular consequence: missense variant.
Genome position (GRCh38, 1-based): chr11:6,626,881, A>G on the plus strand (T>C on the coding strand, the complement: DCHS1 is on the minus strand). VCF-style: chr11-6626881-A-G. GRCh37 (hg19) VCF-style: chr11-6648112-A-G.
Other names: short protein forms V2053A.
Identifiers: ClinVar variation 4976518 (VCV004976518.1).

ClinVar aggregate classification (germline): Uncertain significance (1 of 4 stars; one submission).

Submission:

GeneDx
Classification: Uncertain significance. Last evaluated: 2026-02-17. Review status: criteria provided, single submitter. Criteria: GeneDx Variant Classification Process June 2021. Collection method: clinical testing. Allele origin: germline.
Comment: Not observed at significant frequency in large population cohorts (gnomAD); In silico analysis supports that this missense variant has a deleterious effect on protein structure/function; Has not been previously published as pathogenic or benign to our knowledge